The following is an entry in ClinVar:

ClinVar aggregate classification (germline): Conflicting classifications of pathogenicity. Review status: criteria provided, conflicting classifications (1 of 4 stars). 14 submissions from 14 submitters: Uncertain significance (8); Likely benign (6). Last evaluated 2026-10-01.

Conditions:
Cardiovascular phenotype. Identifiers: MedGen CN230736.
TTN-related disorder. Also called: TTN-related disorders; TTN-related condition; TTN-related disease.
Autosomal recessive limb-girdle muscular dystrophy type 2J (LGMDR10). Also called: Limb-girdle muscular dystrophy, type 2J; MUSCULAR DYSTROPHY, LIMB-GIRDLE, AUTOSOMAL RECESSIVE 10. Identifiers: Orphanet 140922, MedGen C1837342, MONDO:0012127, OMIM 608807.
Dilated cardiomyopathy 1G (CMD1G). Identifiers: Orphanet 154, MedGen C1858763, MONDO:0011400, OMIM 604145.
Hypertrophic cardiomyopathy 9. Also called: Familial hypertrophic cardiomyopathy 9. Identifiers: MedGen C1861065, MONDO:0013412, OMIM 613765.
Early-onset myopathy with fatal cardiomyopathy (CMYO5). Also called: Salih Myopathy; CONGENITAL MYOPATHY 5 WITH CARDIOMYOPATHY. Identifiers: Orphanet 289377, MedGen C2673677, MONDO:0012714, OMIM 611705. Disease mechanism: loss of function.
Myopathy, myofibrillar, 9, with early respiratory failure (MFM9). Also called: Myopathy, distal, with early respiratory failure, autosomal dominant; EDSTROM MYOPATHY; MYOPATHY, PROXIMAL, WITH EARLY RESPIRATORY MUSCLE INVOLVEMENT; Hereditary myopathy with early respiratory failure. Identifiers: Orphanet 178464, Orphanet 34521, MedGen C1863599, MONDO:0011362, OMIM 603689.
Tibial muscular dystrophy (TMD). Also called: Udd Distal Myopathy – Tibial Muscular Dystrophy; UDD MYOPATHY; Tibial muscular dystrophy, tardive. Identifiers: Orphanet 609, MedGen C1838244, MONDO:0010870, OMIM 600334.
Hypertrophic cardiomyopathy. Also called: HYPERTROPHIC MYOCARDIOPATHY. Identifiers: Orphanet 217569, MedGen C0007194, MeSH D002312, MONDO:0005045, HP:0001639.

Allele frequency attached by ClinVar (database versions not stated): gnomAD 0.00011 and 0.00014; ExAC 0.00015; ESP Exome Variant Server 0.00016; gnomAD exomes 0.00016 and 0.00022; TOPMed 0.00030.
gnomAD v4.1: 266 of 1,613,822 alleles (0.016%); highest among the groups gnomAD compares: Middle Eastern, 0.2%; 2 homozygotes.

Submissions (14):

CeGaT Center for Human Genetics Tuebingen
Classification: Likely benign. Last evaluated: 2026-10-01. Review status: criteria provided, single submitter. Criteria: CeGaT Center For Human Genetics Tuebingen Variant Classification Criteria Version 2. Collection method: clinical testing. Allele origin: germline. Affected: yes. Observed: 2 variant alleles.
Comment: TTN: BS2

PreventionGenetics, part of Exact Sciences
Classification: Uncertain significance for TTN-related condition. Last evaluated: 2026-07-29. Review status: criteria provided, single submitter. Criteria: ACMG Guidelines, 2015. Collection method: clinical testing. Allele origin: germline.
Comment: The TTN c.88685G>A variant is predicted to result in the amino acid substitution p.Gly29562Asp. This variant, also referred to as c.80981G>A, p.Gly26994Asp in transcript NM_133378, has been reported in individuals with dilated cardiomyopathy (Begay et al. 2015. PubMed ID: 26567375; van der Meulen et al. 2022. PubMed ID: 36178741), in an individual with hypertrophic cardiomyopathy (Supplementary Table 2A, Al-Shafai et al. 2021. PubMed ID: 34137518), and in an individual with arrhythmogenic right ventricular cardiomyopathy (Online Supplementary File 2, van Lint et al. 2019. PubMed ID: 30847666). This variant is reported in 0.088% of alleles in individuals of Latino descent in gnomAD and has conflicting interpretations in ClinVar ranging from likely benign to uncertain (Variation ID: 196150). Although we suspect that this variant may be benign, at this time, the clinical significance of this variant is uncertain due to the absence of conclusive functional and genetic evidence.

Women's Health and Genetics/Laboratory Corporation of America, LabCorp
Classification: Likely benign. Last evaluated: 2026-04-15. Review status: criteria provided, single submitter. Criteria: LabCorp Variant Classification Summary - May 2015. Collection method: clinical testing. Allele origin: germline.
Comment: Variant summary: TTN c.80981G>A (p.Gly26994Asp) results in a non-conservative amino acid change in the encoded protein sequence. Algorithms developed to predict the effect of missense changes on protein structure and function all suggest that this variant is likely to be disruptive. The variant allele was found at a frequency of 0.00022 in 248698 control chromosomes, predominantly at a frequency of 0.0009 within the Latino subpopulation in the gnomAD database. The observed variant frequency within Latino control individuals in the gnomAD database exceeds the estimated maximal expected allele frequency for disease-causing variants in TTN. c.80981G>A has been observed in individual(s) affected with clinical features of dilated cardiomyopathy (example, Begay_2015, van der Muelen_2022) without strong evidence for causality. These report(s) do not provide unequivocal conclusions about association of the variant with TTN-related conditions. To our knowledge, no experimental evidence demonstrating an impact on protein function has been reported. The following publications have been ascertained in the context of this evaluation (PMID: 26567375, 36178741). ClinVar contains an entry for this variant (Variation ID: 196150). Based on the evidence outlined above, the variant was classified as likely benign.

Molecular Diagnostic Laboratory for Inherited Cardiovascular Disease, Montreal Heart Institute
Classification: Likely benign. Last evaluated: 2025-04-09. Review status: criteria provided, single submitter. Criteria: ACMG Guidelines, 2015. Collection method: clinical testing. Allele origin: germline. Affected: no.

Blueprint Genetics
Classification: Likely benign. Last evaluated: 2024-06-14. Review status: criteria provided, single submitter. Criteria: ACMG Guidelines, 2015. Collection method: clinical testing. Allele origin: germline.

Revvity Omics, Revvity
Classification: Uncertain significance. Last evaluated: 2023-05-30. Review status: criteria provided, single submitter. Criteria: ACMG Guidelines, 2015. Collection method: clinical testing. Allele origin: germline.

Department of Pathology and Laboratory Medicine, Sinai Health System
Classification: Uncertain significance for Tibial muscular dystrophy; Myopathy, myofibrillar, 9, with early respiratory failure; Dilated cardiomyopathy 1G; Autosomal recessive limb-girdle muscular dystrophy type 2J; Early-onset myopathy with fatal cardiomyopathy; Hypertrophic cardiomyopathy 9. Last evaluated: 2022-05-06. Review status: criteria provided, single submitter. Criteria: ACMG Guidelines, 2015. Collection method: research. Allele origin: germline.

Ambry Genetics
Classification: Likely benign for Cardiovascular phenotype. Last evaluated: 2020-09-01. Review status: criteria provided, single submitter. Criteria: Ambry Variant Classification Scheme 2023. Collection method: clinical testing. Allele origin: germline.

Athena Diagnostics
Classification: Likely benign. Last evaluated: 2018-11-07. Review status: criteria provided, single submitter. Criteria: Athena Diagnostics Criteria. Collection method: clinical testing. Allele origin: germline.

Eurofins Ntd Llc (ga)
Classification: Uncertain significance. Last evaluated: 2018-07-03. Review status: criteria provided, single submitter. Criteria: EGL ClinVar v180209 classification definitions. Collection method: clinical testing. Allele origin: germline. Observed: 3 variant alleles, 3 heterozygotes.

Labcorp Genetics (formerly Invitae), Labcorp
Classification: Uncertain significance for Dilated cardiomyopathy 1G; Autosomal recessive limb-girdle muscular dystrophy type 2J. Last evaluated: 2017-08-22. Review status: criteria provided, single submitter. Criteria: Invitae Variant Classification Sherloc (09022015). Collection method: clinical testing. Allele origin: germline.

GeneDx
Classification: Uncertain significance. Last evaluated: 2016-10-07. Review status: criteria provided, single submitter. Criteria: GeneDx Variant Classification (06012015). Collection method: clinical testing. Allele origin: germline. Affected: yes.
Comment: Missense variants in the TTN gene are considered 'unclassified' if they are not previously reported in the literature and do not have >1% frequency in the population to be considered a polymorphism. Research indicates that truncating mutations in the TTN gene are expected to account for approximately 25% of familial and 18% of sporadic idiopathic DCM; however, truncating variants in the TTN gene have been reported in approximately 3% of reported control alleles. There has been little investigation into non-truncating variants. (Herman D et al. Truncations of titin causing dilated cardiomyopathy. N Eng J Med 366:619-628, 2012) The variant is found in DCM,DCM-CRDM panel(s).

Laboratory for Molecular Medicine, Mass General Brigham Personalized Medicine
Classification: Uncertain significance. Last evaluated: 2015-04-03. Review status: criteria provided, single submitter. Criteria: LMM Criteria. Collection method: clinical testing. Allele origin: germline. Observed: 1 variant allele.
Comment: The p.Gly26994Asp variant in TTN has not been previously reported in individuals with cardiomyopathy, but has been identified in 8/11566 Latino chromosomes by t he Exome Aggregation Consortium (ExAC; dbSNP rs7 2648235). Computational prediction tools and conservation analysis do not provid e strong support for or against an impact to the protein. In summary, the clinic al significance of the p.Gly26994Asp variant is uncertain.

Genetics and Genomics Program, Sidra Medicine
Classification: Uncertain significance for Hypertrophic cardiomyopathy. Review status: criteria provided, single submitter. Criteria: ACMG Guidelines, 2015. Collection method: research. Allele origin: unknown. Affected: yes. Observed: 1 variant allele.

Literature cited by the submitters: PubMed 26567375 (cited by Women's Health and Genetics/Laboratory Corporation of America, LabCorp); PubMed 36178741 (cited by Women's Health and Genetics/Laboratory Corporation of America, LabCorp); PubMed 30847666 (cited by Ambry Genetics).

NM_001267550.2(TTN):c.88685G>A (p.Gly29562Asp)

Genes: TTN (titin; minus strand), TTN-AS1 (TTN antisense RNA 1; plus strand). Cytogenetic location: 2q31.2.
Variant type: single nucleotide variant.
Coding change: c.88685G>A on transcript NM_001267550.2 (MANE Select); coding-DNA position 88685, G replaced by A.
Protein change: p.Gly29562Asp; replaces glycine 29562 with aspartic acid.
Molecular consequence: missense variant.
Genome position (GRCh38, 1-based): chr2:178,554,662, C>T on the plus strand (G>A on the coding strand, the complement: TTN is on the minus strand). VCF-style: chr2-178554662-C-T. GRCh37 (hg19) VCF-style: chr2-179419389-C-T.
Other names: p.G27921D:GGT>GAT; c.83762G>A, p.Gly27921Asp (NM_001256850.1); c.80981G>A, p.Gly26994Asp (NM_133378.4); c.61490G>A, p.Gly20497Asp (NM_003319.4); c.61865G>A, p.Gly20622Asp (NM_133432.3); c.62066G>A, p.Gly20689Asp (NM_133437.4); short protein forms G29562D, G27921D, G26994D, G20689D, G20497D, G20622D.
Identifiers: ClinVar variation 196150 (VCV000196150.28), dbSNP rs72648235, ClinGen allele CA302913.
Genomic context (GRCh38, chr2:178,554,662, plus strand): 5'-GACCACACAACGCGGCTTGTCTCACGCTTTTCCACAATGTAGTGAGTGATTTTTGCACCA[C>T]CATCATCAGCTGGAGGCCGCCAGAGAAGGGTGATCTTCTCAGCAGTTACAGTCTTAAATT-3'
Protein context (NP_001254479.2, residues 29552-29572): TLLWRPPADD[Gly29562Asp]GAKITHYIVE